The following is an entry in ClinVar:

NM_015354.3(NUP188):c.4761C>G (p.Asn1587Lys)

Gene: NUP188 (nucleoporin 188; plus strand). Cytogenetic location: 9q34.11.
Variant type: single nucleotide variant.
Coding change: c.4761C>G on transcript NM_015354.3 (MANE Select); coding-DNA position 4761, C replaced by G.
Protein change: p.Asn1587Lys; replaces asparagine 1587 with lysine.
Molecular consequence: missense variant.
Genome position (GRCh38, 1-based): chr9:129,005,668, C>G. VCF-style: chr9-129005668-C-G. GRCh37 (hg19) VCF-style: chr9-131767947-C-G.
Other names: c.4761C>G (NM_015354.2); short protein forms N1587K.
Identifiers: ClinVar variation 2659568 (VCV002659568.25), dbSNP rs12350674, ClinGen allele CA5273453.

ClinVar aggregate classification (germline): Likely benign. Review status: criteria provided, single submitter (1 of 4 stars). 2 submissions from 2 submitters: Likely benign (1). 1 of the submissions does not count toward it. Last evaluated 2025-05-01.

Conditions:
NUP188-related disorder. Also called: NUP188-related condition.

Allele frequency attached by ClinVar (database versions not stated): ExAC 0.00083; 1000 Genomes Project 30x 0.00219; 1000 Genomes Project 0.00240; gnomAD 0.00247; ESP Exome Variant Server 0.00261; TOPMed 0.00278.
gnomAD v4.1: 806 of 1,613,958 alleles (0.05%); highest among the groups gnomAD compares: African/African-American, 0.97%; 3 homozygotes.

Submissions (2):

CeGaT Center for Human Genetics Tuebingen
Classification: Likely benign. Last evaluated: 2025-05-01. Review status: criteria provided, single submitter. Criteria: CeGaT Center For Human Genetics Tuebingen Variant Classification Criteria Version 2. Collection method: clinical testing. Allele origin: germline. Affected: yes. Observed: 2 variant alleles.
Comment: NUP188: BP4, BS2

PreventionGenetics, part of Exact Sciences
Classification: Benign for NUP188-related condition. Last evaluated: 2019-06-12. Review status: no assertion criteria provided. Collection method: clinical testing. Allele origin: germline. Not counted in ClinVar's aggregate classification.
Comment: This variant is classified as benign based on ACMG/AMP sequence variant interpretation guidelines (Richards et al. 2015 PMID: 25741868, with internal and published modifications).